The following is an entry in ClinVar:

ClinVar aggregate classification (germline): Likely pathogenic (1 of 4 stars; one submission).

Conditions:
Hereditary cancer-predisposing syndrome. Also called: Hereditary Cancer Syndrome; Hereditary neoplastic syndrome; Neoplastic Syndromes, Hereditary; Tumor predisposition. Identifiers: Orphanet 140162, MedGen C0027672, MeSH D009386, MONDO:0015356.

Submission:

Ambry Genetics
Classification: Likely pathogenic for Hereditary cancer-predisposing syndrome. Last evaluated: 2021-05-06. Review status: criteria provided, single submitter. Criteria: Ambry Variant Classification Scheme 2023. Collection method: clinical testing. Allele origin: germline.
Comment: The c.93delT variant, located in coding exon 2 of the NBN gene, results from a deletion of one nucleotide at nucleotide position 93, causing a translational frameshift with a predicted alternate stop codon (p.C31Wfs*4). The predicted stop codon occurs within the first 150 nucleotides of theNBN gene. This alteration may escape nonsense-mediated mRNAdecay and/or be rescued by re-initiation (Rivas et al. Science. 2015 May 8;348(6235):666-9; Lindeboom et al. Nat Genet. 2016 Oct;48(10):1112-8; Rhee et al. Sci Rep. 2017 May 10;7(1):1653). However, the impacted region involves the forkhead-associated domain (FHA) which has been implicated in NBN function (Zhao S et al. Nucleic Acids Res., 2002 Nov;30:4815-22). Based on the majority of available evidence to date, this variant is likely to be pathogenic.

NM_002485.5(NBN):c.93del (p.Cys31fs)

Gene: NBN (nibrin; minus strand). Cytogenetic location: 8q21.3.
Variant type: Deletion.
Coding change: c.93del on transcript NM_002485.5 (MANE Select); coding-DNA position 93, one base deleted (T; older notation c.93delT).
Protein change: p.Cys31fs; shifts the reading frame from cysteine 31.
Molecular consequence: frameshift variant. On other transcripts: 5 prime UTR variant (1).
Genome position (GRCh38, 1-based): chr8:89,982,800, A deleted on the plus strand (T on the coding strand, the reverse complement: NBN is on the minus strand). VCF-style (leftmost placement, unchanged base first): chr8-89982799-CA-C. GRCh37 (hg19) VCF-style: chr8-90995027-CA-C.
Other names: c.-204del (NM_001024688.3); short protein forms C31fs.
Identifiers: ClinVar variation 1766831 (VCV001766831.2), dbSNP rs2488369262, ClinGen allele CA2580079431.
Genomic context (GRCh38, chr8:89,982,799, plus strand): 5'-AGTTAGCAGTTAACACAGCATGATTTCGGCTGATCGACTGATCATTTTCAATCAGAATGG[CA>C]CAGTTTTTCCTTCCAACAACGTACTCAACGCCAGTCAAAAGTCTGTATGGTTCTCCTGAG-3'